The following is an entry in ClinVar:

NM_000368.5(TSC1):c.522A>G (p.Glu174=)

Gene: TSC1 (TSC complex subunit 1; minus strand). Cytogenetic location: 9q34.13.
Variant type: single nucleotide variant.
Coding change: c.522A>G on transcript NM_000368.5 (MANE Select); coding-DNA position 522, A replaced by G.
Protein change: p.Glu174=; no amino-acid change (glutamic acid 174 retained).
Molecular consequence: synonymous variant. On other transcripts: 5 prime UTR variant (5), non-coding transcript variant (5).
Genome position (GRCh38, 1-based): chr9:132,921,960, T>C on the plus strand (A>G on the coding strand, the complement: TSC1 is on the minus strand). VCF-style: chr9-132921960-T-C. GRCh37 (hg19) VCF-style: chr9-135797347-T-C.
Other names: c.522A>G, p.Glu174= (NM_001162426.2, NM_001406592.1, NM_001406593.1 and 16 more transcripts); c.369A>G, p.Glu123= (NM_001162427.2, NM_001406610.1, NM_001406611.1 and 2 more transcripts); c.159A>G, p.Glu53= (NM_001362177.2, NM_001406614.1, NM_001406615.1 and 10 more transcripts); c.-356A>G (NM_001406626.1, NM_001406627.1, NM_001406628.1); c.-498A>G (NM_001406629.1); c.-572A>G (NM_001406630.1).
Identifiers: ClinVar variation 2779390 (VCV002779390.4), dbSNP rs2132161619, ClinGen allele CA467593853.

ClinVar aggregate classification (germline): Benign/Likely benign. Review status: criteria provided, multiple submitters, no conflicts (2 of 4 stars). 2 submissions from 2 submitters: Benign (1); Likely benign (1). Last evaluated 2025-04-08.

Conditions:
Tuberous sclerosis 1 (TSC1). Identifiers: Orphanet 805, MedGen C1854465, MONDO:0008612, OMIM 191100.

Allele frequency attached by ClinVar (database versions not stated): gnomAD exomes below 0.00001.
gnomAD v4.1: 1 of 1,614,140 alleles (0.000062%); highest among the groups gnomAD compares: South Asian, 0.0011%; no homozygotes.

Submissions (2):

Myriad Genetics, Inc.
Classification: Benign for Tuberous sclerosis 1. Last evaluated: 2025-04-08. Review status: criteria provided, single submitter. Criteria: Myriad Autosomal Dominant, Autosomal Recessive and X-Linked Classification Criteria (2023). Collection method: clinical testing. Allele origin: unknown.
Comment: This variant is considered benign. This variant is a silent/synonymous amino acid change and it is not expected to impact splicing.

Labcorp Genetics (formerly Invitae), Labcorp
Classification: Likely benign for Tuberous sclerosis 1. Last evaluated: 2023-10-03. Review status: criteria provided, single submitter. Criteria: Invitae Variant Classification Sherloc (09022015). Collection method: clinical testing. Allele origin: germline.